The following is an entry in ClinVar:

NM_014003.4(DHX38):c.481G>A (p.Asp161Asn)

Gene: DHX38 (DEAH-box helicase 38; plus strand). Cytogenetic location: 16q22.2.
Variant type: single nucleotide variant.
Coding change: c.481G>A on transcript NM_014003.4 (MANE Select); coding-DNA position 481, G replaced by A.
Protein change: p.Asp161Asn; replaces aspartic acid 161 with asparagine.
Molecular consequence: missense variant.
Genome position (GRCh38, 1-based): chr16:72,096,979, G>A. VCF-style: chr16-72096979-G-A. GRCh37 (hg19) VCF-style: chr16-72130878-G-A.
Other names: short protein forms D161N.
Identifiers: ClinVar variation 1929084 (VCV001929084.5), dbSNP rs1183071483, ClinGen allele CA396701306.

ClinVar aggregate classification (germline): Uncertain significance (1 of 4 stars; one submission).

Allele frequency attached by ClinVar (database versions not stated): gnomAD exomes below 0.00001.
gnomAD v4.1: 6 of 1,613,972 alleles (0.00037%); highest among the groups gnomAD compares: Admixed American, 0.0067%; no homozygotes.

Submission:

Labcorp Genetics (formerly Invitae), Labcorp
Classification: Uncertain significance. Last evaluated: 2023-10-16. Review status: criteria provided, single submitter. Criteria: Invitae Variant Classification Sherloc (09022015). Collection method: clinical testing. Allele origin: germline.
Comment: This sequence change replaces aspartic acid, which is acidic and polar, with asparagine, which is neutral and polar, at codon 161 of the DHX38 protein (p.Asp161Asn). This variant is present in population databases (no rsID available, gnomAD 0.003%). This variant has not been reported in the literature in individuals affected with DHX38-related conditions. ClinVar contains an entry for this variant (Variation ID: 1929084). An algorithm developed to predict the effect of missense changes on protein structure and function (PolyPhen-2) suggests that this variant is likely to be tolerated. In summary, the available evidence is currently insufficient to determine the role of this variant in disease. Therefore, it has been classified as a Variant of Uncertain Significance.